The following is an entry in ClinVar:

NM_005751.5(AKAP9):c.5364_5368dup (p.Val1790fs)

Gene: AKAP9 (A-kinase anchoring protein 9; plus strand). Cytogenetic location: 7q21.2.
Variant type: Duplication.
Coding change: c.5364_5368dup on transcript NM_005751.5 (MANE Select); coding-DNA positions 5364 to 5368, 5 bases duplicated (AAGAG; older notation c.5364_5368dupAAGAG).
Protein change: p.Val1790fs; shifts the reading frame from valine 1790.
Molecular consequence: frameshift variant.
Genome position (GRCh38, 1-based): chr7:92,045,209-92,045,213, AAGAG duplicated. VCF-style (leftmost placement, unchanged base first): chr7-92045208-C-CAAGAG. GRCh37 (hg19) VCF-style: chr7-91674522-C-CAAGAG.
Other names: c.5364_5368dup, p.Val1790fs (NM_147185.3); short protein forms V1790fs.
Identifiers: ClinVar variation 4751616 (VCV004751616.1).

ClinVar aggregate classification (germline): Uncertain significance (1 of 4 stars; one submission).

Conditions:
Long QT syndrome (LQTS). Identifiers: MedGen C0023976, MeSH D008133, MONDO:0002442. Disease mechanism: loss of function. Inheritance: Various modes of inheritance.

Submission:

Labcorp Genetics (formerly Invitae), Labcorp
Classification: Uncertain significance for Long QT syndrome. Last evaluated: 2025-02-19. Review status: criteria provided, single submitter. Criteria: Invitae Variant Classification Sherloc (09022015). Collection method: clinical testing. Allele origin: germline.
Comment: This sequence change creates a premature translational stop signal (Splice site) in the AKAP9 gene. It is expected to result in an absent or disrupted protein product. However, the current clinical and genetic evidence is not sufficient to establish whether loss-of-function variants in AKAP9 cause disease. This variant is present in population databases (no rsID available, gnomAD 0.01%). This variant has not been reported in the literature in individuals affected with AKAP9-related conditions. In summary, the available evidence is currently insufficient to determine the role of this variant in disease. Therefore, it has been classified as a Variant of Uncertain Significance.